The following is an entry in ClinVar:

NM_007214.5(SEC63):c.340-13_340-7del

Gene: SEC63 (SEC63 homolog, protein translocation regulator; minus strand). Cytogenetic location: 6q21.
Variant type: Deletion.
Coding change: c.340-13_340-7del on transcript NM_007214.5 (MANE Select); 13 bases into the intron before coding-DNA position 340 through 7 bases into the intron before coding-DNA position 340, 7 bases deleted (TGTTTTT; older notation c.340-13_340-7delTGTTTTT).
Molecular consequence: intron variant.
Genome position (GRCh38, 1-based): chr6:107,921,916-107,921,922, AAAAACA deleted on the plus strand (TGTTTTT on the coding strand, the reverse complement: SEC63 is on the minus strand); deleting any 7 consecutive bases within chr6:107,921,916-107,921,927 gives the same sequence; the c. name uses the placement nearest the transcript's 3' end. VCF-style (leftmost placement, unchanged base first): chr6-107921915-GAAAAACA-G. GRCh37 (hg19) VCF-style: chr6-108243119-GAAAAACA-G.
Identifiers: ClinVar variation 3057206 (VCV003057206.2), dbSNP rs769701904, ClinGen allele CA3947738.

ClinVar aggregate classification (germline): Benign (0 of 4 stars; one submission).

Conditions:
SEC63-related disorder. Also called: SEC63-related condition.

Submission:

PreventionGenetics, part of Exact Sciences
Classification: Benign for SEC63-related condition. Last evaluated: 2019-10-31. Review status: no assertion criteria provided. Collection method: clinical testing. Allele origin: germline.
Comment: This variant is classified as benign based on ACMG/AMP sequence variant interpretation guidelines (Richards et al. 2015 PMID: 25741868, with internal and published modifications).